The following is an entry in ClinVar:

NM_000283.4(PDE6B):c.1286T>A (p.Val429Glu)

Gene: PDE6B (phosphodiesterase 6B; plus strand). Cytogenetic location: 4p16.3.
Variant type: single nucleotide variant.
Coding change: c.1286T>A on transcript NM_000283.4 (MANE Select); coding-DNA position 1286, T replaced by A.
Protein change: p.Val429Glu; replaces valine 429 with glutamic acid.
Molecular consequence: missense variant.
Genome position (GRCh38, 1-based): chr4:657,379, T>A. VCF-style: chr4-657379-T-A. GRCh37 (hg19) VCF-style: chr4-651168-T-A.
Other names: c.1286T>A, p.Val429Glu (NM_001145291.2); c.449T>A, p.Val150Glu (NM_001145292.2, NM_001350154.3, NM_001379246.1 and 1 more transcripts); c.131T>A, p.Val44Glu (NM_001350155.3); short protein forms V150E, V44E, V429E.
Identifiers: ClinVar variation 1449580 (VCV001449580.6), dbSNP rs1304399193, ClinGen allele CA355913797.

ClinVar aggregate classification (germline): Uncertain significance (1 of 4 stars; one submission).

Allele frequency attached by ClinVar (database versions not stated): gnomAD exomes below 0.00001; gnomAD 0.00001.
gnomAD v4.1: 4 of 1,613,008 alleles (0.00025%); highest among the groups gnomAD compares: African/African-American, 0.0027%; no homozygotes.

Submission:

Labcorp Genetics (formerly Invitae), Labcorp
Classification: Uncertain significance. Last evaluated: 2022-07-06. Review status: criteria provided, single submitter. Criteria: Invitae Variant Classification Sherloc (09022015). Collection method: clinical testing. Allele origin: germline.
Comment: This sequence change replaces valine, which is neutral and non-polar, with glutamic acid, which is acidic and polar, at codon 429 of the PDE6B protein (p.Val429Glu). In summary, the available evidence is currently insufficient to determine the role of this variant in disease. Therefore, it has been classified as a Variant of Uncertain Significance. Algorithms developed to predict the effect of missense changes on protein structure and function are either unavailable or do not agree on the potential impact of this missense change (SIFT: "Deleterious"; PolyPhen-2: "Possibly Damaging"; Align-GVGD: "Class C0"). ClinVar contains an entry for this variant (Variation ID: 1449580). This variant has not been reported in the literature in individuals affected with PDE6B-related conditions. This variant is present in population databases (no rsID available, gnomAD 0.004%).